The following is an entry in ClinVar:

ClinVar aggregate classification (germline): Likely benign (0 of 4 stars; one submission).

Conditions:
PYCR2-related disorder. Also called: PYCR2-related condition.

Allele frequency attached by ClinVar (database versions not stated): gnomAD exomes 0.00001; ExAC 0.00003.
gnomAD v4.1: 12 of 1,612,024 alleles (0.00074%); highest among the groups gnomAD compares: South Asian, 0.012%; no homozygotes.

Submission:

PreventionGenetics, part of Exact Sciences
Classification: Likely benign for PYCR2-related condition. Last evaluated: 2019-07-02. Review status: no assertion criteria provided. Collection method: clinical testing. Allele origin: germline.
Comment: This variant is classified as likely benign based on ACMG/AMP sequence variant interpretation guidelines (Richards et al. 2015 PMID: 25741868, with internal and published modifications).

NM_013328.4(PYCR2):c.318+6C>T

Gene: PYCR2 (pyrroline-5-carboxylate reductase 2; minus strand). Cytogenetic location: 1q42.12.
Variant type: single nucleotide variant.
Coding change: c.318+6C>T on transcript NM_013328.4 (MANE Select); 6 bases into the intron after coding-DNA position 318, C replaced by T.
Molecular consequence: intron variant.
Genome position (GRCh38, 1-based): chr1:225,922,198, G>A on the plus strand (C>T on the coding strand, the complement: PYCR2 is on the minus strand). VCF-style: chr1-225922198-G-A. GRCh37 (hg19) VCF-style: chr1-226109898-G-A.
Other names: c.318+6C>T (NM_001271681.2).
Identifiers: ClinVar variation 3042875 (VCV003042875.2), dbSNP rs751460056, ClinGen allele CA1420279.
Genomic context (GRCh38, chr1:225,922,198, plus strand): 5'-CCATTAGCTGCCATTCGTGGGTCAACCCTCCCCTCACACAAGGGGCATCAGGGCTGAGAT[G>A]GGCACCTTCTCCACAGAGCTGATGGTGACACCAGCCGCACAGGAGACCACGATGTGTCTG-3'